The following is an entry in ClinVar:

ClinVar aggregate classification (germline): Conflicting classifications of pathogenicity. Review status: criteria provided, conflicting classifications (1 of 4 stars). 5 submissions from 5 submitters: Uncertain significance (4); Likely benign (1). Last evaluated 2025-06-06.

Conditions:
Inborn genetic diseases. Identifiers: MedGen C0950123, MeSH D030342.
Hereditary spherocytosis type 1. Also called: Spherocytosis type 1; ANK1-Related Spherocytosis. Identifiers: Orphanet 822, MedGen C2674218, MONDO:0008447, OMIM 182900.

Allele frequency attached by ClinVar (database versions not stated): ExAC 0.00012; gnomAD exomes 0.00012; gnomAD 0.00040 and 0.00046; TOPMed 0.00051; ESP Exome Variant Server 0.00085.
gnomAD v4.1: 125 of 1,613,986 alleles (0.0077%); highest among the groups gnomAD compares: African/African-American, 0.13%; no homozygotes.

Submissions (5):

ARUP Laboratories, Molecular Genetics and Genomics, ARUP Laboratories
Classification: Likely benign for Hereditary spherocytosis type 1. Last evaluated: 2025-06-06. Review status: criteria provided, single submitter. Criteria: ARUP Molecular Germline Variant Investigation Process 2024. Collection method: clinical testing. Allele origin: germline.

Ambry Genetics
Classification: Uncertain significance for Inborn genetic diseases. Last evaluated: 2025-04-19. Review status: criteria provided, single submitter. Criteria: Ambry Variant Classification Scheme 2023. Collection method: clinical testing. Allele origin: germline.

Labcorp Genetics (formerly Invitae), Labcorp
Classification: Uncertain significance. Last evaluated: 2025-03-20. Review status: criteria provided, single submitter. Criteria: Invitae Variant Classification Sherloc (09022015). Collection method: clinical testing. Allele origin: germline.
Comment: This sequence change replaces arginine, which is basic and polar, with glutamine, which is neutral and polar, at codon 1872 of the ANK1 protein (p.Arg1872Gln). This variant is present in population databases (rs139762174, gnomAD 0.1%), and has an allele count higher than expected for a pathogenic variant. This variant has not been reported in the literature in individuals affected with ANK1-related conditions. ClinVar contains an entry for this variant (Variation ID: 1303170). An algorithm developed to predict the effect of missense changes on protein structure and function (PolyPhen-2) suggests that this variant is likely to be tolerated. In summary, the available evidence is currently insufficient to determine the role of this variant in disease. Therefore, it has been classified as a Variant of Uncertain Significance.

Mayo Clinic Laboratories, Mayo Clinic
Classification: Uncertain significance. Last evaluated: 2024-04-16. Review status: criteria provided, single submitter. Criteria: ACMG Guidelines, 2015. Collection method: clinical testing. Allele origin: germline. Observed: 1 variant allele.

GeneDx
Classification: Uncertain significance. Last evaluated: 2024-04-01. Review status: criteria provided, single submitter. Criteria: GeneDx Variant Classification Process June 2021. Collection method: clinical testing. Allele origin: germline. Affected: yes.
Comment: In silico analysis supports that this missense variant does not alter protein structure/function; Has not been previously published as pathogenic or benign to our knowledge

NM_000037.4(ANK1):c.5615G>A (p.Arg1872Gln)

Gene: ANK1 (ankyrin 1; minus strand). Cytogenetic location: 8p11.21.
Variant type: single nucleotide variant.
Coding change: c.5615G>A on transcript NM_000037.4 (MANE Select); coding-DNA position 5615, G replaced by A.
Protein change: p.Arg1872Gln; replaces arginine 1872 with glutamine.
Molecular consequence: missense variant. On other transcripts: intron variant (6).
Genome position (GRCh38, 1-based): chr8:41,661,494, C>T on the plus strand (G>A on the coding strand, the complement: ANK1 is on the minus strand). VCF-style: chr8-41661494-C-T. GRCh37 (hg19) VCF-style: chr8-41519012-C-T.
Other names: p.Arg1872Gln; c.440G>A, p.Arg147Gln (NM_020478.5); c.5667+382G>A (NM_001142446.2); c.5133+307G>A (NM_020477.3); c.5544+382G>A (NM_020475.3); c.5619+307G>A (NM_020476.3); c.303+2165G>A (NM_020480.5); c.444+307G>A (NM_001142445.2); short protein forms R147Q, R1872Q.
Identifiers: ClinVar variation 1303170 (VCV001303170.11), dbSNP rs139762174, ClinGen allele CA4727056.
Genomic context (GRCh38, chr8:41,661,494, plus strand): 5'-CGAGAGGCTACTCCAAGGAGAGCGGCTCGGGGTCACTGTTTCCCCCTTTTCAGGCTGGCC[C>T]GCTTCACTATCTGCGCCCCCTTCCTGCCCTCTATCAGGTCCGGCTGTAGGCCACTCCCTC-3'
Protein context (NP_000028.3, residues 1862-1880): EGRKGAQIVK[Arg1872Gln]ASLKRGKQ